The following is an entry in ClinVar:

NM_001193315.2(VIPAS39):c.247G>T (p.Glu83Ter)

Gene: VIPAS39 (VPS33B interacting protein, apical-basolateral polarity regulator, spe-39 homolog; minus strand). Cytogenetic location: 14q24.3.
Variant type: single nucleotide variant.
Coding change: c.247G>T on transcript NM_001193315.2 (MANE Select); coding-DNA position 247, G replaced by T.
Protein change: p.Glu83Ter; replaces glutamic acid 83 with a stop codon.
Molecular consequence: nonsense. On other transcripts: non-coding transcript variant (1), intron variant (4).
Genome position (GRCh38, 1-based): chr14:77,451,283, C>A on the plus strand (G>T on the coding strand, the complement: VIPAS39 is on the minus strand). VCF-style: chr14-77451283-C-A. GRCh37 (hg19) VCF-style: chr14-77917626-C-A.
Other names: c.247G>T, p.Glu83Ter (NM_001193314.2, NM_001193317.2, NM_001400326.1 and 11 more transcripts); c.197-1531G>T (NM_001400337.1, NM_001193316.2, NM_001400324.1 and 1 more transcripts); short protein forms E83*.
Identifiers: ClinVar variation 2003056 (VCV002003056.4), dbSNP rs753677499, ClinGen allele CA390698915.

ClinVar aggregate classification (germline): Pathogenic (1 of 4 stars; one submission).

Submission:

Labcorp Genetics (formerly Invitae), Labcorp
Classification: Pathogenic. Last evaluated: 2022-06-07. Review status: criteria provided, single submitter. Criteria: Invitae Variant Classification Sherloc (09022015). Collection method: clinical testing. Allele origin: germline.
Comment: This sequence change creates a premature translational stop signal (p.Glu83*) in the VIPAS39 gene. It is expected to result in an absent or disrupted protein product. Loss-of-function variants in VIPAS39 are known to be pathogenic (PMID: 20190753, 22753090). This variant is not present in population databases (gnomAD no frequency). This variant has not been reported in the literature in individuals affected with VIPAS39-related conditions. For these reasons, this variant has been classified as Pathogenic.

Literature cited by the submitters: PubMed 20190753; PubMed 22753090.